The following is an entry in ClinVar:

ClinVar aggregate classification (germline): Uncertain significance (1 of 4 stars; one submission).

Submission:

Labcorp Genetics (formerly Invitae), Labcorp
Classification: Uncertain significance. Last evaluated: 2024-10-05. Review status: criteria provided, single submitter. Criteria: Invitae Variant Classification Sherloc (09022015). Collection method: clinical testing. Allele origin: germline.
Comment: This sequence change affects an acceptor splice site in intron 2 of the IL17RD gene. It is expected to disrupt RNA splicing. Variants that disrupt the donor or acceptor splice site typically lead to a loss of protein function (PMID: 16199547), however the current clinical and genetic evidence is not sufficient to establish whether loss-of-function variants in IL17RD cause disease. This variant is not present in population databases (gnomAD no frequency). This variant has not been reported in the literature in individuals affected with IL17RD-related conditions. Algorithms developed to predict the effect of sequence changes on RNA splicing suggest that this variant may disrupt the consensus splice site. In summary, the available evidence is currently insufficient to determine the role of this variant in disease. Therefore, it has been classified as a Variant of Uncertain Significance.

Literature cited by the submitters: PubMed 16199547.

NM_017563.5(IL17RD):c.185-2A>G

Gene: IL17RD (interleukin 17 receptor D; minus strand). Cytogenetic location: 3p14.3.
Variant type: single nucleotide variant.
Coding change: c.185-2A>G on transcript NM_017563.5 (MANE Select); the canonical splice acceptor site of the intron before coding-DNA position 185, A replaced by G.
Molecular consequence: splice acceptor variant.
Genome position (GRCh38, 1-based): chr3:57,114,819, T>C on the plus strand (A>G on the coding strand, the complement: IL17RD is on the minus strand). VCF-style: chr3-57114819-T-C. GRCh37 (hg19) VCF-style: chr3-57148847-T-C.
Other names: c.-248-2A>G (NM_001318864.2).
Identifiers: ClinVar variation 3670982 (VCV003670982.2).